The following is an entry in ClinVar:

ClinVar aggregate classification (germline): Uncertain significance. Review status: criteria provided, single submitter (1 of 4 stars). 2 submissions from 2 submitters: Uncertain significance (1). 1 of the submissions does not count toward it. Last evaluated 2022-04-26.

Conditions:
COL18A1-related disorder. Also called: COL18A1-related disorders; COL18A1-related condition.

Allele frequency attached by ClinVar (database versions not stated): gnomAD 0.00004 and 0.00006; TOPMed 0.00005; 1000 Genomes Project 30x 0.00031.
gnomAD v4.1: 31 of 1,584,978 alleles (0.002%); highest among the groups gnomAD compares: East Asian, 0.063%; no homozygotes.

Submissions (2):

Labcorp Genetics (formerly Invitae), Labcorp
Classification: Uncertain significance. Last evaluated: 2022-04-26. Review status: criteria provided, single submitter. Criteria: Invitae Variant Classification Sherloc (09022015). Collection method: clinical testing. Allele origin: germline.
Comment: This sequence change falls in intron 3 of the COL18A1 gene. It does not directly change the encoded amino acid sequence of the COL18A1 protein. It affects a nucleotide within the consensus splice site. This variant is present in population databases (rs755778352, gnomAD 0.1%). This variant has not been reported in the literature in individuals affected with COL18A1-related conditions. Variants that disrupt the consensus splice site are a relatively common cause of aberrant splicing (PMID: 17576681, 9536098). Experimental studies and prediction algorithms are not available or were not evaluated, and the effect of this variant on mRNA splicing is currently unknown. In summary, the available evidence is currently insufficient to determine the role of this variant in disease. Therefore, it has been classified as a Variant of Uncertain Significance.

PreventionGenetics, part of Exact Sciences
Classification: Likely benign for COL18A1-related condition. Last evaluated: 2019-05-28. Review status: no assertion criteria provided. Collection method: clinical testing. Allele origin: germline. Not counted in ClinVar's aggregate classification.
Comment: This variant is classified as likely benign based on ACMG/AMP sequence variant interpretation guidelines (Richards et al. 2015 PMID: 25741868, with internal and published modifications).

Literature cited by the submitters: PubMed 17576681 (cited by Labcorp Genetics (formerly Invitae), Labcorp); PubMed 9536098 (cited by Labcorp Genetics (formerly Invitae), Labcorp).

NM_001379500.1(COL18A1):c.651+6C>G

Gene: COL18A1 (collagen type XVIII alpha 1 chain; plus strand). Cytogenetic location: 21q22.3.
Variant type: single nucleotide variant.
Coding change: c.651+6C>G on transcript NM_001379500.1 (MANE Select); 6 bases into the intron after coding-DNA position 651, C replaced by G.
Molecular consequence: intron variant.
Genome position (GRCh38, 1-based): chr21:45,468,792, C>G. VCF-style: chr21-45468792-C-G. GRCh37 (hg19) VCF-style: chr21-46888706-C-G.
Other names: c.1896+6C>G (NM_130444.3); c.1191+6C>G (NM_030582.4, NM_030582.3).
Identifiers: ClinVar variation 1387541 (VCV001387541.5), dbSNP rs755778352, ClinGen allele CA10065812.